The following is an entry in ClinVar:

ClinVar aggregate classification (germline): Likely benign (1 of 4 stars; one submission).

Allele frequency attached by ClinVar (database versions not stated): TOPMed 0.00002.
gnomAD v4.1: 2 of 152,422 alleles (0.0013%); highest among the groups gnomAD compares: Non-Finnish European, 0.0029%; no homozygotes.

Submission:

GeneDx
Classification: Likely benign. Last evaluated: 2017-10-12. Review status: criteria provided, single submitter. Criteria: GeneDx Variant Classification (06012015). Collection method: clinical testing. Allele origin: germline. Affected: yes.
Comment: This variant is considered likely benign or benign based on one or more of the following criteria: it is a conservative change, it occurs at a poorly conserved position in the protein, it is predicted to be benign by multiple in silico algorithms, and/or has population frequency not consistent with disease.

NM_015443.4(KANSL1):c.-90+420C>A

Gene: KANSL1 (KAT8 regulatory NSL complex subunit 1). Cytogenetic location: 17q21.31.
Variant type: single nucleotide variant.
Coding change: c.-90+420C>A on transcript NM_015443.4 (MANE Select); 420 bases into the intron after 90 bases upstream of the start codon, C replaced by A.
Molecular consequence: intron variant.
Genome position (GRCh38, 1-based): chr17:46,192,403, G>T on the plus strand (C>A on the coding strand, the complement: KANSL1 is on the minus strand). VCF-style: chr17-46192403-G-T. GRCh37 (hg19) VCF-style: chr17-44269769-G-T.
Other names: c.-89-20171C>A (NM_001193465.2, NM_001379198.1); c.-90+16C>A (NM_001193466.2).
Identifiers: ClinVar variation 512503 (VCV000512503.1), dbSNP rs189789192, ClinGen allele CA658798880.